The following is an entry in ClinVar:

NM_000256.3(MYBPC3):c.1633_1640del (p.Leu545fs)

Gene: MYBPC3 (myosin binding protein C3; minus strand). Cytogenetic location: 11p11.2.
Variant type: Deletion.
Coding change: c.1633_1640del on transcript NM_000256.3 (MANE Select); coding-DNA positions 1633 to 1640, 8 bases deleted (CTGGAGGT; older notation c.1633_1640delCTGGAGGT).
Protein change: p.Leu545fs; shifts the reading frame from leucine 545.
Molecular consequence: frameshift variant.
Genome position (GRCh38, 1-based): chr11:47,342,141-47,342,148, ACCTCCAG deleted on the plus strand (CTGGAGGT on the coding strand, the reverse complement: MYBPC3 is on the minus strand). VCF-style (leftmost placement, unchanged base first): chr11-47342140-CACCTCCAG-C. GRCh37 (hg19) VCF-style: chr11-47363691-CACCTCCAG-C.
Other names: c.1633_1640del, p.Leu545fs (LRG_386t1); c.1633_1640delCTGGAGGT (NM_000256.3); short protein forms L545fs.
Identifiers: ClinVar variation 237424 (VCV000237424.10), dbSNP rs878853831, ClinGen allele CA10582918.

ClinVar aggregate classification (germline): Pathogenic. Review status: criteria provided, multiple submitters, no conflicts (2 of 4 stars). 2 submissions from 2 submitters: Pathogenic (2). Last evaluated 2023-09-06.

Conditions:
Cardiovascular phenotype. Identifiers: MedGen CN230736.
Hypertrophic cardiomyopathy. Also called: HYPERTROPHIC MYOCARDIOPATHY. Identifiers: Orphanet 217569, MedGen C0007194, MeSH D002312, MONDO:0005045, HP:0001639.

Submissions (2):

Labcorp Genetics (formerly Invitae), Labcorp
Classification: Pathogenic for Hypertrophic cardiomyopathy. Last evaluated: 2023-09-06. Review status: criteria provided, single submitter. Criteria: Invitae Variant Classification Sherloc (09022015). Collection method: clinical testing. Allele origin: germline.
Comment: For these reasons, this variant has been classified as Pathogenic. ClinVar contains an entry for this variant (Variation ID: 237424). This variant has not been reported in the literature in individuals affected with MYBPC3-related conditions. This variant is not present in population databases (gnomAD no frequency). This sequence change creates a premature translational stop signal (p.Leu545Valfs*20) in the MYBPC3 gene. It is expected to result in an absent or disrupted protein product. Loss-of-function variants in MYBPC3 are known to be pathogenic (PMID: 19574547).

Ambry Genetics
Classification: Pathogenic for Cardiovascular phenotype. Last evaluated: 2016-04-27. Review status: criteria provided, single submitter. Criteria: Ambry Variant Classification Scheme 2023. Collection method: clinical testing. Allele origin: germline.
Comment: The c.1633_1640delCTGGAGGT pathogenic mutation, located in coding exon 18 of the MYBPC3 gene, results from a deletion of 8 nucleotides between positions 1633 and 1640, causing a translational frameshift with a predicted alternate stop codon (p.L545Vfs*20). Since frameshifts are typically deleterious in nature, this alteration is interpreted as a disease-causing mutation (ACMG Recommendations for Standards for Interpretation and Reporting of Sequence Variations. Revision 2007. Genet Med. 2008;10:294).

Literature cited by the submitters: PubMed 19574547 (cited by Labcorp Genetics (formerly Invitae), Labcorp).